The following is an entry in ClinVar:

NM_000130.5(F5):c.5408A>G (p.His1803Arg)

Gene: F5 (coagulation factor V; minus strand). Cytogenetic location: 1q24.2.
Variant type: single nucleotide variant.
Coding change: c.5408A>G on transcript NM_000130.5 (MANE Select); coding-DNA position 5408, A replaced by G.
Protein change: p.His1803Arg; replaces histidine 1803 with arginine.
Molecular consequence: missense variant.
Genome position (GRCh38, 1-based): chr1:169,529,619, T>C on the plus strand (A>G on the coding strand, the complement: F5 is on the minus strand). VCF-style: chr1-169529619-T-C. GRCh37 (hg19) VCF-style: chr1-169498857-T-C.
Other names: short protein forms H1803R.
Identifiers: ClinVar variation 627181 (VCV000627181.8), dbSNP rs754104059, ClinGen allele CA1233513.

ClinVar aggregate classification (germline): Conflicting classifications of pathogenicity. Review status: criteria provided, conflicting classifications (1 of 4 stars). 7 submissions from 7 submitters: Likely pathogenic (4); Uncertain significance (2). 1 of the submissions does not count toward it. Last evaluated 2025-11-25.

Conditions:
F5-related disorder. Also called: F5-related condition.
Congenital factor V deficiency. Also called: Hereditary factor V deficiency disease; LABILE FACTOR DEFICIENCY; OWREN PARAHEMOPHILIA; PARAHEMOPHILIA. Identifiers: Orphanet 326, MedGen C0015499, MONDO:0009210, OMIM 227400.
Budd-Chiari syndrome (BDCHS). Also called: Hepatic vein obstruction. Identifiers: Orphanet 131, MedGen C0856761, MONDO:0010947, OMIM 600880, HP:0002639.
Pregnancy loss, recurrent, susceptibility to, 1 (RPRGL1). Also called: EMBRYONIC LOSS, RECURRENT; MISCARRIAGE, RECURRENT; STILLBIRTH, RECURRENT; FETAL LOSS, RECURRENT, SUSCEPTIBILITY TO. Identifiers: MedGen C3280670, MONDO:0013727, OMIM 614389.
Ischemic stroke. Also called: Ischemic stroke, susceptibility to; CEREBROVASCULAR ACCIDENT. Identifiers: MedGen C0948008, MONDO:1060198, OMIM 601367, HP:0002140.
Thrombophilia due to activated protein C resistance (THPH2). Also called: Activated protein C resistance; PCCF DEFICIENCY; PROC COFACTOR DEFICIENCY; Hereditary Resistance to Activated Protein C; APC resistance; THROMBOPHILIA DUE TO DEFICIENCY OF ACTIVATED PROTEIN C COFACTOR. Identifiers: MedGen C1861171, MONDO:0008560, OMIM 188055. Disease mechanism: loss of function, gain of function.
Factor V deficiency. Also called: Reduced coagulation factor V activity. Identifiers: Orphanet 326, MedGen C4317320, MONDO:0020586, HP:0003225.

Allele frequency attached by ClinVar (database versions not stated): ExAC 0.00001; gnomAD 0.00001; TOPMed 0.00002; gnomAD exomes 0.00003 and 0.00010.
gnomAD v4.1: 149 of 1,613,322 alleles (0.0092%); highest among the groups gnomAD compares: Non-Finnish European, 0.012%; no homozygotes.

Submissions (7):

Labcorp Genetics (formerly Invitae), Labcorp
Classification: Uncertain significance for Congenital factor V deficiency. Last evaluated: 2025-11-25. Review status: criteria provided, single submitter. Criteria: Invitae Variant Classification Sherloc (09022015). Collection method: clinical testing. Allele origin: germline.
Comment: This sequence change replaces histidine, which is basic and polar, with arginine, which is basic and polar, at codon 1803 of the F5 protein (p.His1803Arg). This variant is present in population databases (rs754104059, gnomAD 0.004%). This missense change has been observed in individual(s) with autosomal recessive factor V deficiency and/or bleeding, thrombotic or platelet disorders (PMID: 20546033, 31064749). ClinVar contains an entry for this variant (Variation ID: 627181). Invitae Evidence Modeling of protein sequence and biophysical properties (such as structural, functional, and spatial information, amino acid conservation, physicochemical variation, residue mobility, and thermodynamic stability) indicates that this missense variant is not expected to disrupt F5 protein function with a negative predictive value of 95%. Algorithms developed to predict the effect of sequence changes on RNA splicing suggest that this variant may disrupt the consensus splice site. In summary, the available evidence is currently insufficient to determine the role of this variant in disease. Therefore, it has been classified as a Variant of Uncertain Significance.

PreventionGenetics, part of Exact Sciences
Classification: Likely pathogenic for F5-related condition. Last evaluated: 2025-11-13. Review status: criteria provided, single submitter. Criteria: ACMG Guidelines, 2015. Collection method: clinical testing. Allele origin: germline.
Comment: The F5 c.5408A>G variant is predicted to result in the amino acid substitution p.His1803Arg. This variant, also known as p.His1775Arg for legacy nomenclature, has been reported with a second potentially causative variant, in three individuals with Factor V deficiency or a coagulation disorder (Cutler et al. 2010. PubMed ID: 20546033; Table S3, Downes et al. 2019. PubMed ID: 31064749). This variant is reported in 0.0053% of alleles in individuals of European (non-Finnish) descent in gnomAD. This variant is interpreted as likely pathogenic.

Fulgent Genetics
Classification: Likely pathogenic for Thrombophilia due to activated protein C resistance; Congenital factor V deficiency; Budd-Chiari syndrome; Ischemic stroke; Pregnancy loss, recurrent, susceptibility to, 1. Last evaluated: 2024-06-10. Review status: criteria provided, single submitter. Criteria: ACMG Guidelines, 2015. Collection method: clinical testing. Allele origin: germline.

GeneDx
Classification: Uncertain significance. Last evaluated: 2023-01-12. Review status: criteria provided, single submitter. Criteria: GeneDx Variant Classification Process June 2021. Collection method: clinical testing. Allele origin: germline. Affected: yes.
Comment: Identified in two individuals with coagulation disorder in published literature (Downes et al., 2019); In silico analysis supports that this missense variant has a deleterious effect on protein structure/function; Also, in silico analysis supports a deleterious effect on splicing; This variant is associated with the following publications: (PMID: 31064749, 20546033)

Knight Diagnostic Laboratories, Oregon Health and Sciences University
Classification: Likely pathogenic for Factor V deficiency. Last evaluated: 2019-07-19. Review status: criteria provided, single submitter. Criteria: ACMG Guidelines, 2015. Collection method: clinical testing. Allele origin: germline. Observed: 1 variant allele.

NIHR Bioresource Rare Diseases, University of Cambridge
Classification: Likely pathogenic for Congenital factor V deficiency. Last evaluated: 2019-02-01. Review status: criteria provided, single submitter. Criteria: ACMG Guidelines, 2015. Collection method: research. Allele origin: unknown. Affected: yes. Observed: 1 heterozygote, 1 compound heterozygote. Study: ThromboGenomics.

ISTH-SSC Genomics in Thrombosis and Hemostasis, KU Leuven, Center for Molecular and Vascular Biology
Classification: Likely pathogenic for Congenital factor V deficiency. Review status: no assertion criteria provided. Collection method: research. Allele origin: unknown. Affected: yes. Not counted in ClinVar's aggregate classification.
Comment: Submitted to GoldVariant by Dr Karyn Mégy from NIHR Bioresource - Cambridge University, UK

Literature cited by the submitters: PubMed 20546033 (cited by Labcorp Genetics (formerly Invitae), Labcorp); PubMed 31064749 (cited by Labcorp Genetics (formerly Invitae), Labcorp and NIHR Bioresource Rare Diseases, University of Cambridge).